The following is an entry in ClinVar:

NM_014806.5(RUSC2):c.1445C>G (p.Thr482Arg)

Gene: RUSC2 (RUN and SH3 domain containing 2; plus strand). Cytogenetic location: 9p13.3.
Variant type: single nucleotide variant.
Coding change: c.1445C>G on transcript NM_014806.5 (MANE Select); coding-DNA position 1445, C replaced by G.
Protein change: p.Thr482Arg; replaces threonine 482 with arginine.
Molecular consequence: missense variant. On other transcripts: non-coding transcript variant (1), intron variant (1).
Genome position (GRCh38, 1-based): chr9:35,547,966, C>G. VCF-style: chr9-35547966-C-G. GRCh37 (hg19) VCF-style: chr9-35547963-C-G.
Other names: c.1445C>G, p.Thr482Arg (NM_001135999.2); c.-620-7094C>G (NM_001330740.2); short protein forms T482R.
Identifiers: ClinVar variation 1354940 (VCV001354940.6), dbSNP rs777574098, ClinGen allele CA373333210.

ClinVar aggregate classification (germline): Uncertain significance (1 of 4 stars; one submission).

Submission:

Labcorp Genetics (formerly Invitae), Labcorp
Classification: Uncertain significance. Last evaluated: 2025-06-19. Review status: criteria provided, single submitter. Criteria: Invitae Variant Classification Sherloc (09022015). Collection method: clinical testing. Allele origin: germline.
Comment: This sequence change replaces threonine, which is neutral and polar, with arginine, which is basic and polar, at codon 482 of the RUSC2 protein (p.Thr482Arg). This variant is not present in population databases (gnomAD no frequency). This variant has not been reported in the literature in individuals affected with RUSC2-related conditions. ClinVar contains an entry for this variant (Variation ID: 1354940). An algorithm developed to predict the effect of missense changes on protein structure and function (PolyPhen-2) suggests that this variant is likely to be disruptive. In summary, the available evidence is currently insufficient to determine the role of this variant in disease. Therefore, it has been classified as a Variant of Uncertain Significance.